The following is an entry in ClinVar:

ClinVar aggregate classification (germline): Pathogenic (1 of 4 stars; one submission).

Conditions:
Cystic fibrosis (CF). Also called: MUCOVISCIDOSIS. Identifiers: Orphanet 586, MedGen C0010674, MONDO:0009061, OMIM 219700. Disease mechanism: loss of function.

Submission:

Labcorp Genetics (formerly Invitae), Labcorp
Classification: Pathogenic for Cystic fibrosis. Last evaluated: 2022-07-26. Review status: criteria provided, single submitter. Criteria: Invitae Variant Classification Sherloc (09022015). Collection method: clinical testing. Allele origin: germline.
Comment: For these reasons, this variant has been classified as Pathogenic. Retrotransposon insertions including LINE1 (L1), Alu, and SVA (SINE-VNTR-Alu) have been reported to be disease-causing through disruption of either a coding region or splice site (PMID: 19763152, 20307669, 22406018) and loss-of-function variants in CFTR are known to be pathogenic (PMID: 1695717, 7691345, 9725922). Algorithms developed to predict the effect of sequence changes on RNA splicing suggest that this variant may disrupt the consensus splice site. This variant has not been reported in the literature in individuals affected with CFTR-related conditions. This variant is not present in population databases (gnomAD no frequency). This sequence change inserts a large fragment of DNA, likely a transposable element, in exon 14 of the CFTR gene (c.2061_2062ins?), causing a frameshift at codon 688 (p.Lys688fs). The exact size and sequence of the insertion cannot be determined by the current assay. However, the insertion is expected to result in an absent or disrupted protein product.

Literature cited by the submitters: PubMed 19763152; PubMed 20307669; PubMed 22406018; PubMed 1695717; PubMed 7691345; PubMed 9725922.

NM_000492.4(CFTR):c.2061_2062insTTTTTTTTTTTTTTTTTTTTNNNNNNNNNNCTCTTGACCTCGTGATCCGCCGGCCTCGGCCTCCCAAAGTGCTGGGATTACAGGCGTGAGCCACCGCGCCCGGCCAAAAAACAATCTTTT (p.Lys688delinsPhePhePhePhePhePheXaaXaaXaaXaaLeuLeuThrSerTer)

Gene: CFTR (CF transmembrane conductance regulator; plus strand). Cytogenetic location: 7q31.2.
Variant type: Microsatellite.
Coding change: c.2061_2062insTTTTTTTTTTTTTTTTTTTTNNNNNNNNNNCTCTTGACCTCGTGATCCGCCGGCCTCGGCCTCCCAAAGTGCTGGGATTACAGGCGTGAGCCACCGCGCCCGGCCAAAAAACAATCTTTT on transcript NM_000492.4 (MANE Select); coding-DNA positions 2061 to 2062, TTTTTTTTTTTTTTTTTTTTNNNNNNNNNNCTCTTGACCTCGTGATCCGCCGGCCTCGGCCTCCCAAAGTGCTGGGATTACAGGCGTGAGCCACCGCGCCCGGCCAAAAAACAATCTTTT inserted.
Protein change: p.Lys688delinsPhePhePhePhePhePheXaaXaaXaaXaaLeuLeuThrSerTer.
Molecular consequence: nonsense.
Genome position: GRCh38: chr7:117,592,214-117,592,228. GRCh37 (hg19): chr7:117,232,268-117,232,282.
Identifiers: ClinVar variation 2019828 (VCV002019828.4).